The following is an entry in ClinVar:

ClinVar aggregate classification (germline): Uncertain significance (1 of 4 stars; one submission).

Conditions:
RAD21-related disorder. Also called: RAD21-related condition; RAD21- Related disorders.

Allele frequency attached by ClinVar (database versions not stated): gnomAD exomes below 0.00001; TOPMed below 0.00001; gnomAD 0.00001.
gnomAD v4.1: 3 of 1,580,310 alleles (0.00019%); highest among the groups gnomAD compares: Non-Finnish European, 0.00026%; no homozygotes.

Submission:

PreventionGenetics, part of Exact Sciences
Classification: Uncertain significance for RAD21-related condition. Last evaluated: 2023-09-08. Review status: criteria provided, single submitter. Criteria: ACMG Guidelines, 2015. Collection method: clinical testing. Allele origin: germline.
Comment: The RAD21 c.1627G>A variant is predicted to result in the amino acid substitution p.Asp543Asn. To our knowledge, this variant has not been reported in the literature or in a large population database, indicating this variant is rare. At this time, the clinical significance of this variant is uncertain due to the absence of conclusive functional and genetic evidence.

NM_006265.3(RAD21):c.1627G>A (p.Asp543Asn)

Gene: RAD21 (RAD21 cohesin complex component; minus strand). Cytogenetic location: 8q24.11.
Variant type: single nucleotide variant.
Coding change: c.1627G>A on transcript NM_006265.3 (MANE Select); coding-DNA position 1627, G replaced by A.
Protein change: p.Asp543Asn; replaces aspartic acid 543 with asparagine.
Molecular consequence: missense variant.
Genome position (GRCh38, 1-based): chr8:116,849,023, C>T on the plus strand (G>A on the coding strand, the complement: RAD21 is on the minus strand). VCF-style: chr8-116849023-C-T. GRCh37 (hg19) VCF-style: chr8-117861262-C-T.
Other names: short protein forms D543N.
Identifiers: ClinVar variation 2631162 (VCV002631162.1), dbSNP rs978197750, ClinGen allele CA184264481.